The following is an entry in ClinVar:

NM_014915.3(ANKRD26):c.4879C>T (p.Pro1627Ser)

Gene: ANKRD26 (ankyrin repeat domain 26; minus strand). Cytogenetic location: 10p12.1.
Variant type: single nucleotide variant.
Coding change: c.4879C>T on transcript NM_014915.3 (MANE Select); coding-DNA position 4879, C replaced by T.
Protein change: p.Pro1627Ser; replaces proline 1627 with serine.
Molecular consequence: missense variant.
Genome position (GRCh38, 1-based): chr10:27,012,956, G>A on the plus strand (C>T on the coding strand, the complement: ANKRD26 is on the minus strand). VCF-style: chr10-27012956-G-A. GRCh37 (hg19) VCF-style: chr10-27301885-G-A.
Other names: c.4876C>T, p.Pro1626Ser (NM_001256053.2); short protein forms P1627S, P1626S.
Identifiers: ClinVar variation 299726 (VCV000299726.15), dbSNP rs572143624, ClinGen allele CA5447700.

ClinVar aggregate classification (germline): Conflicting classifications of pathogenicity. Review status: criteria provided, conflicting classifications (1 of 4 stars). 7 submissions from 7 submitters: Uncertain significance (4); Benign (1); Likely benign (1). 1 of the submissions does not count toward it. Last evaluated 2026-02-11.

Conditions:
Thrombocytopenia 2 (THC2). Also called: ANKRD26-Related Thrombocytopenia. Identifiers: Orphanet 268322, MedGen C1861185, MONDO:0008555, OMIM 188000.
Inborn genetic diseases. Identifiers: MedGen C0950123, MeSH D030342.

Allele frequency attached by ClinVar (database versions not stated): gnomAD exomes 0.00002 and 0.00007; ExAC 0.00003; TOPMed 0.00009; gnomAD 0.00013 and 0.00014; 1000 Genomes Project 0.00020; 1000 Genomes Project 30x 0.00031.
gnomAD v4.1: 53 of 1,614,074 alleles (0.0033%); highest among the groups gnomAD compares: Admixed American, 0.062%; no homozygotes.

Submissions (7):

St. Jude Molecular Pathology, St. Jude Children's Research Hospital
Classification: Uncertain significance for Thrombocytopenia 2. Last evaluated: 2026-02-11. Review status: criteria provided, single submitter. Criteria: St. Jude Assertion Criteria 2020. Collection method: clinical testing. Allele origin: germline.
Comment: The ANKRD26 c.4879C>T p.(Pro1627Ser) missense change has a maximum subpopulation frequency of 0.04% in gnomAD v2.1.1. This variant is not located in the 5' UTR. The in silico tool REVEL predicts a benign effect on protein function, but to our knowledge this prediction has not been confirmed by functional studies. To our knowledge, this variant has not been reported in the literature in individuals with ANKRD26-related thrombocytopenia. In summary, the evidence currently available is insufficient to determine the clinical significance of this variant. It has therefore been classified as of uncertain significance.

Labcorp Genetics (formerly Invitae), Labcorp
Classification: Uncertain significance. Last evaluated: 2026-01-15. Review status: criteria provided, single submitter. Criteria: Invitae Variant Classification Sherloc (09022015). Collection method: clinical testing. Allele origin: germline.
Comment: This sequence change replaces proline, which is neutral and non-polar, with serine, which is neutral and polar, at codon 1627 of the ANKRD26 protein (p.Pro1627Ser). This variant is present in population databases (rs572143624, gnomAD 0.04%), and has an allele count higher than expected for a pathogenic variant. This variant has not been reported in the literature in individuals affected with ANKRD26-related conditions. ClinVar contains an entry for this variant (Variation ID: 299726). An algorithm developed to predict the effect of missense changes on protein structure and function (PolyPhen-2) suggests that this variant is likely to be disruptive. In summary, the available evidence is currently insufficient to determine the role of this variant in disease. Therefore, it has been classified as a Variant of Uncertain Significance.

Ambry Genetics
Classification: Uncertain significance for Inborn genetic diseases. Last evaluated: 2025-05-21. Review status: criteria provided, single submitter. Criteria: Ambry Variant Classification Scheme 2023. Collection method: clinical testing. Allele origin: germline.

Blueprint Genetics
Classification: Likely benign. Last evaluated: 2023-12-07. Review status: criteria provided, single submitter. Criteria: ACMG Guidelines, 2015. Collection method: clinical testing. Allele origin: germline.

GeneDx
Classification: Uncertain significance. Last evaluated: 2023-11-13. Review status: criteria provided, single submitter. Criteria: GeneDx Variant Classification Process June 2021. Collection method: clinical testing. Allele origin: germline. Affected: yes.
Comment: In silico analysis supports that this missense variant has a deleterious effect on protein structure/function; Has not been previously published as pathogenic or benign to our knowledge

Illumina Laboratory Services, Illumina
Classification: Benign for Thrombocytopenia 2. Last evaluated: 2018-01-13. Review status: criteria provided, single submitter. Criteria: ICSL Variant Classification Criteria 13 December 2019. Collection method: clinical testing. Allele origin: germline.
Comment: This variant was observed in the ICSL laboratory as part of a predisposition screen in an ostensibly healthy population. It had not been previously curated by ICSL or reported in the Human Gene Mutation Database (HGMD: prior to June 1st, 2018), and was therefore a candidate for classification through an automated scoring system. Utilizing variant allele frequency, disease prevalence and penetrance estimates, and inheritance mode, an automated score was calculated to assess if this variant is too frequent to cause the disease. Based on the score and internal cut-off values, a variant classified as benign is not then subjected to further curation. The score for this variant resulted in a classification of benign for this disease.

Department of Pathology and Laboratory Medicine, Sinai Health System
Classification: Uncertain significance. Review status: no assertion criteria provided. Collection method: clinical testing. Allele origin: unknown. Affected: yes. Study: The Canadian Open Genetics Repository (COGR). Not counted in ClinVar's aggregate classification.
Comment: The ANKRD26 p.P1627S variant was not identified in the literature but was identified in dbSNP (ID: rs572143624) and ClinVar (classified as benign by Illumina). The variant was identified in control databases in 19 of 280818 chromosomes at a frequency of 0.00006766, and was observed at the highest frequency in the Latino population in 14 of 35330 chromosomes (freq: 0.0003963) (Genome Aggregation Database March 6, 2019, v2.1.1). The p.P1627 residue is conserved in mammals and computational analyses (MUT Assesor, PolyPhen-2, SIFT, MutationTaster, Revel, FATHMM, MetaLR, DANN) provide inconsistent predictions. The variant occurs outside of the splicing consensus sequence and in silico or computational prediction software programs (Splice AI exome) do not predict a difference in splicing. In summary, based on the above information the clinical significance of this variant cannot be determined with certainty at this time. This variant is classified as a variant of uncertain significance.